The following is an entry in ClinVar:

ClinVar aggregate classification (germline): Uncertain significance. Review status: criteria provided, multiple submitters, no conflicts (2 of 4 stars). 2 submissions from 2 submitters: Uncertain significance (2). Last evaluated 2025-11-18.

Conditions:
Neuroblastoma, susceptibility to, 3. Also called: ALK-Related Neuroblastic Tumor Susceptibility. Identifiers: Orphanet 635, MedGen C2751681, MONDO:0013083, OMIM 613014.
Hereditary cancer-predisposing syndrome. Also called: Hereditary neoplastic syndrome; Neoplastic Syndromes, Hereditary; Tumor predisposition; Hereditary Cancer Syndrome. Identifiers: Orphanet 140162, MedGen C0027672, MeSH D009386, MONDO:0015356.

Allele frequency attached by ClinVar (database versions not stated): TOPMed 0.00001.
gnomAD v4.1: 6 of 1,614,078 alleles (0.00037%); highest among the groups gnomAD compares: Non-Finnish European, 0.00051%; no homozygotes.

Submissions (2):

Labcorp Genetics (formerly Invitae), Labcorp
Classification: Uncertain significance for Neuroblastoma, susceptibility to, 3. Last evaluated: 2025-11-18. Review status: criteria provided, single submitter. Criteria: Invitae Variant Classification Sherloc (09022015). Collection method: clinical testing. Allele origin: germline.
Comment: This sequence change replaces asparagine, which is neutral and polar, with lysine, which is basic and polar, at codon 571 of the ALK protein (p.Asn571Lys). This variant is not present in population databases (gnomAD no frequency). This variant has not been reported in the literature in individuals affected with ALK-related conditions. ClinVar contains an entry for this variant (Variation ID: 470769). An algorithm developed to predict the effect of missense changes on protein structure and function (PolyPhen-2) suggests that this variant is likely to be disruptive. In summary, the available evidence is currently insufficient to determine the role of this variant in disease. Therefore, it has been classified as a Variant of Uncertain Significance.

Ambry Genetics
Classification: Uncertain significance for Hereditary cancer-predisposing syndrome. Last evaluated: 2024-02-23. Review status: criteria provided, single submitter. Criteria: Ambry Variant Classification Scheme 2023. Collection method: clinical testing. Allele origin: germline.
Comment: The p.N571K variant (also known as c.1713C>G), located in coding exon 9 of the ALK gene, results from a C to G substitution at nucleotide position 1713. The asparagine at codon 571 is replaced by lysine, an amino acid with similar properties. This amino acid position is conserved. In addition, this alteration is predicted to be tolerated by in silico analysis. Since supporting evidence is limited at this time, the clinical significance of this alteration remains unclear.

NM_004304.5(ALK):c.1713C>G (p.Asn571Lys)

Gene: ALK (ALK receptor tyrosine kinase; minus strand). Cytogenetic location: 2p23.2.
Variant type: single nucleotide variant.
Coding change: c.1713C>G on transcript NM_004304.5 (MANE Select); coding-DNA position 1713, C replaced by G.
Protein change: p.Asn571Lys; replaces asparagine 571 with lysine.
Molecular consequence: missense variant.
Genome position (GRCh38, 1-based): chr2:29,296,992, G>C on the plus strand (C>G on the coding strand, the complement: ALK is on the minus strand). VCF-style: chr2-29296992-G-C. GRCh37 (hg19) VCF-style: chr2-29519858-G-C.
Other names: short protein forms N571K.
Identifiers: ClinVar variation 470769 (VCV000470769.13), dbSNP rs902275025, ClinGen allele CA346466384.